The following is an entry in ClinVar:

ClinVar aggregate classification (germline): Uncertain significance (1 of 4 stars; one submission).

Submission:

Labcorp Genetics (formerly Invitae), Labcorp
Classification: Uncertain significance. Last evaluated: 2022-01-15. Review status: criteria provided, single submitter. Criteria: Invitae Variant Classification Sherloc (09022015). Collection method: clinical testing. Allele origin: germline.
Comment: In summary, the available evidence is currently insufficient to determine the role of this variant in disease. Therefore, it has been classified as a Variant of Uncertain Significance. Advanced modeling of protein sequence and biophysical properties (such as structural, functional, and spatial information, amino acid conservation, physicochemical variation, residue mobility, and thermodynamic stability) performed at Invitae indicates that this missense variant is not expected to disrupt CPLANE1 protein function. ClinVar contains an entry for this variant (Variation ID: 1061560). This sequence change replaces lysine, which is basic and polar, with asparagine, which is neutral and polar, at codon 49 of the CPLANE1 protein (p.Lys49Asn). This variant is not present in population databases (gnomAD no frequency). This variant has not been reported in the literature in individuals affected with CPLANE1-related conditions.

NM_001384732.1(CPLANE1):c.147G>C (p.Lys49Asn)

Gene: CPLANE1 (ciliogenesis and planar polarity effector complex subunit 1; minus strand). Cytogenetic location: 5p13.2.
Variant type: single nucleotide variant.
Coding change: c.147G>C on transcript NM_001384732.1 (MANE Select); coding-DNA position 147, G replaced by C.
Protein change: p.Lys49Asn; replaces lysine 49 with asparagine.
Molecular consequence: missense variant.
Genome position (GRCh38, 1-based): chr5:37,245,780, C>G on the plus strand (G>C on the coding strand, the complement: CPLANE1 is on the minus strand). VCF-style: chr5-37245780-C-G. GRCh37 (hg19) VCF-style: chr5-37245882-C-G.
Other names: c.147G>C, p.Lys49Asn (NM_023073.4); short protein forms K49N.
Identifiers: ClinVar variation 1061560 (VCV001061560.9), dbSNP rs1554117690, ClinGen allele CA359524541.
Genomic context (GRCh38, chr5:37,245,780, plus strand): 5'-TGTTGTTAGGACAATAACATCCTTCAAGAAAGGCTGCAGACTAGGAATTTTCTTCTTTAT[C>G]TTTCCTGATAGCAAATTAATTTCATTTATGAATTTATCATCCAAAAGAAAAACGGCTTCT-3'
Protein context (NP_001371661.1, residues 39-59): FINEINLLSG[Lys49Asn]IKKKIPSLQP